The following is an entry in ClinVar:

NM_001369.3(DNAH5):c.3238_3240delinsT (p.Glu1080fs)

Genes: DNAH5 (dynein axonemal heavy chain 5; minus strand), DNAH5-AS1 (DNAH5 antisense RNA 1; plus strand). Cytogenetic location: 5p15.2.
Variant type: Indel.
Coding change: c.3238_3240delinsT on transcript NM_001369.3 (MANE Select); coding-DNA positions 3238 to 3240, GAA replaced by T.
Protein change: p.Glu1080fs; shifts the reading frame from glutamic acid 1080.
Molecular consequence: frameshift variant.
Genome position (GRCh38, 1-based): chr5:13,882,750-13,882,752, TTC replaced by A on the plus strand (GAA replaced by T on the coding strand, the reverse complement: DNAH5 is on the minus strand). VCF-style: chr5-13882750-TTC-A. GRCh37 (hg19) VCF-style: chr5-13882859-TTC-A.
Other names: short protein forms E1080fs.
Identifiers: ClinVar variation 1723947 (VCV001723947.2), dbSNP rs2547030155, ClinGen allele CA2580072085.

ClinVar aggregate classification (germline): Likely pathogenic (1 of 4 stars; one submission).

Conditions:
Primary ciliary dyskinesia 3. Identifiers: Orphanet 244, MedGen C1837618, MONDO:0012085, OMIM 608644.

Submission:

Myriad Genetics, Inc.
Classification: Likely pathogenic for Primary ciliary dyskinesia 3. Last evaluated: 2022-01-15. Review status: criteria provided, single submitter. Criteria: Myriad Women's Health Autosomal Recessive and X-Linked Classification Criteria (2021). Collection method: clinical testing. Allele origin: unknown.
Comment: NM_001369.2(DNAH5):c.3238_3240delGAAinsT(E1080Yfs*5) is expected to be pathogenic in the context of DNAH5-related primary ciliary dyskinesia. This variant is predicted to lead to an abnormal or absent protein product due to the creation of a premature termination codon in DNAH5, a gene where loss-of-function variants are known to be pathogenic. Please note: this variant was assessed in the context of healthy population screening.